The following is an entry in ClinVar:

ClinVar aggregate classification (germline): Uncertain significance (1 of 4 stars; one submission).

Conditions:
Progressive sclerosing poliodystrophy (MTDPS4A). Also called: ALPERS PROGRESSIVE INFANTILE POLIODYSTROPHY; NEURONAL DEGENERATION OF CHILDHOOD WITH LIVER DISEASE, PROGRESSIVE; Mitochondrial DNA depletion syndrome 4A (Alpers type); Alpers Syndrome; ALPERS DIFFUSE DEGENERATION OF CEREBRAL GRAY MATTER WITH HEPATIC CIRRHOSIS; Alpers-Huttenlocher Syndrome. Identifiers: Orphanet 726, MedGen C0205710, MONDO:0008758, OMIM 203700.

gnomAD v4.1: 8 of 1,614,024 alleles (0.0005%); highest among the groups gnomAD compares: Non-Finnish European, 0.00068%; no homozygotes.

Submission:

Labcorp Genetics (formerly Invitae), Labcorp
Classification: Uncertain significance for Progressive sclerosing poliodystrophy. Last evaluated: 2024-09-08. Review status: criteria provided, single submitter. Criteria: Invitae Variant Classification Sherloc (09022015). Collection method: clinical testing. Allele origin: germline.
Comment: This sequence change replaces tyrosine, which is neutral and polar, with cysteine, which is neutral and slightly polar, at codon 1147 of the POLG protein (p.Tyr1147Cys). This variant is not present in population databases (gnomAD no frequency). This variant has not been reported in the literature in individuals affected with POLG-related conditions. Invitae Evidence Modeling of protein sequence and biophysical properties (such as structural, functional, and spatial information, amino acid conservation, physicochemical variation, residue mobility, and thermodynamic stability) indicates that this missense variant is expected to disrupt POLG protein function with a positive predictive value of 95%. In summary, the available evidence is currently insufficient to determine the role of this variant in disease. Therefore, it has been classified as a Variant of Uncertain Significance.

NM_002693.3(POLG):c.3440A>G (p.Tyr1147Cys)

Gene: POLG (DNA polymerase gamma, catalytic subunit; minus strand). Cytogenetic location: 15q26.1.
Variant type: single nucleotide variant.
Coding change: c.3440A>G on transcript NM_002693.3 (MANE Select); coding-DNA position 3440, A replaced by G.
Protein change: p.Tyr1147Cys; replaces tyrosine 1147 with cysteine.
Molecular consequence: missense variant.
Genome position (GRCh38, 1-based): chr15:89,318,583, T>C on the plus strand (A>G on the coding strand, the complement: POLG is on the minus strand). VCF-style: chr15-89318583-T-C. GRCh37 (hg19) VCF-style: chr15-89861814-T-C.
Other names: c.3440A>G, p.Tyr1147Cys (NM_001126131.2); short protein forms Y1147C.
Identifiers: ClinVar variation 2908349 (VCV002908349.3), dbSNP rs2509202076, ClinGen allele CA393749727.
Genomic context (GRCh38, chr15:89,318,583, plus strand): 5'-GCCATGGGCCCCGCATACCTGGTCAAGAGGTTGGTGATCTGCAAGGCCAGGGCAGCGCGG[T>C]AGCGGTCCTCCTCCCGCACCAGGTAGCGAACCTCGTCATGGATGCTGATGCAGAAGCGCC-3'
Protein context (NP_002684.1, residues 1137-1157): VRYLVREEDR[Tyr1147Cys]RAALALQITN